The following is an entry in ClinVar:

NM_000548.5(TSC2):c.2665G>A (p.Ala889Thr)

Gene: TSC2 (TSC complex subunit 2; plus strand). Cytogenetic location: 16p13.3.
Variant type: single nucleotide variant.
Coding change: c.2665G>A on transcript NM_000548.5 (MANE Select); coding-DNA position 2665, G replaced by A.
Protein change: p.Ala889Thr; replaces alanine 889 with threonine.
Molecular consequence: missense variant.
Genome position (GRCh38, 1-based): chr16:2,076,093, G>A. VCF-style: chr16-2076093-G-A. GRCh37 (hg19) VCF-style: chr16-2126094-G-A.
Other names: c.2665G>A, p.Ala889Thr (NM_001077183.3, NM_001114382.3, NM_001363528.2 and 3 more transcripts); c.2554G>A, p.Ala852Thr (NM_001318827.2); c.2518G>A, p.Ala840Thr (NM_001318829.2); c.2065G>A, p.Ala689Thr (NM_001318831.2); c.2698G>A, p.Ala900Thr (NM_001318832.2); short protein forms A889T, A689T, A900T, A840T, A852T.
Identifiers: ClinVar variation 467956 (VCV000467956.7), dbSNP rs397515054, ClinGen allele CA394279260.

ClinVar aggregate classification (germline): Uncertain significance. Review status: criteria provided, multiple submitters, no conflicts (2 of 4 stars). 2 submissions from 2 submitters: Uncertain significance (2). Last evaluated 2023-10-05.

Conditions:
Hereditary cancer-predisposing syndrome. Also called: Hereditary neoplastic syndrome; Neoplastic Syndromes, Hereditary; Tumor predisposition; Hereditary Cancer Syndrome. Identifiers: Orphanet 140162, MedGen C0027672, MeSH D009386, MONDO:0015356.
Tuberous sclerosis 2 (TSC2). Identifiers: Orphanet 805, MedGen C1860707, MONDO:0013199, OMIM 613254.

Submissions (2):

Ambry Genetics
Classification: Uncertain significance for Hereditary cancer-predisposing syndrome. Last evaluated: 2023-10-05. Review status: criteria provided, single submitter. Criteria: Ambry Variant Classification Scheme 2023. Collection method: clinical testing. Allele origin: germline.
Comment: The p.A889T variant (also known as c.2665G>A), located in coding exon 23 of the TSC2 gene, results from a G to A substitution at nucleotide position 2665. The alanine at codon 889 is replaced by threonine, an amino acid with similar properties. This amino acid position is highly conserved in available vertebrate species. In addition, this alteration is predicted to be deleterious by in silico analysis. Since supporting evidence is limited at this time, the clinical significance of this alteration remains unclear.

Labcorp Genetics (formerly Invitae), Labcorp
Classification: Uncertain significance for Tuberous sclerosis 2. Last evaluated: 2023-01-13. Review status: criteria provided, single submitter. Criteria: Invitae Variant Classification Sherloc (09022015). Collection method: clinical testing. Allele origin: germline.
Comment: Advanced modeling of protein sequence and biophysical properties (such as structural, functional, and spatial information, amino acid conservation, physicochemical variation, residue mobility, and thermodynamic stability) performed at Invitae indicates that this missense variant is not expected to disrupt TSC2 protein function. ClinVar contains an entry for this variant (Variation ID: 467956). This variant has not been reported in the literature in individuals affected with TSC2-related conditions. This variant is not present in population databases (gnomAD no frequency). This sequence change replaces alanine, which is neutral and non-polar, with threonine, which is neutral and polar, at codon 889 of the TSC2 protein (p.Ala889Thr). In summary, the available evidence is currently insufficient to determine the role of this variant in disease. Therefore, it has been classified as a Variant of Uncertain Significance.